The following is an entry in ClinVar:

NM_001322934.2(NFKB2):c.2621A>G (p.Glu874Gly)

Gene: NFKB2 (nuclear factor kappa B subunit 2; plus strand). Cytogenetic location: 10q24.32.
Variant type: single nucleotide variant.
Coding change: c.2621A>G on transcript NM_001322934.2 (MANE Select); coding-DNA position 2621, A replaced by G.
Protein change: p.Glu874Gly; replaces glutamic acid 874 with glycine.
Molecular consequence: missense variant.
Genome position (GRCh38, 1-based): chr10:102,402,294, A>G. VCF-style: chr10-102402294-A-G. GRCh37 (hg19) VCF-style: chr10-104162051-A-G.
Other names: c.2621A>G, p.Glu874Gly (NM_001077494.3); c.2618A>G, p.Glu873Gly (NM_001261403.3, NM_001288724.1, NM_002502.6); c.2495A>G, p.Glu832Gly (NM_001322935.1); short protein forms E873G, E832G, E874G.
Identifiers: ClinVar variation 4712196 (VCV004712196.1).

ClinVar aggregate classification (germline): Uncertain significance (1 of 4 stars; one submission).

Conditions:
Immunodeficiency, common variable, 10. Also called: IMMUNODEFICIENCY, COMMON VARIABLE, WITH CENTRAL ADRENAL INSUFFICIENCY; DEFICIT IN ANTERIOR PITUITARY FUNCTION AND VARIABLE IMMUNODEFICIENCY. Identifiers: MedGen C3809991, MONDO:0014260, OMIM 615577.

Submission:

Labcorp Genetics (formerly Invitae), Labcorp
Classification: Uncertain significance for Immunodeficiency, common variable, 10. Last evaluated: 2025-02-10. Review status: criteria provided, single submitter. Criteria: Invitae Variant Classification Sherloc (09022015). Collection method: clinical testing. Allele origin: germline.
Comment: This sequence change replaces glutamic acid, which is acidic and polar, with glycine, which is neutral and non-polar, at codon 874 of the NFKB2 protein (p.Glu874Gly). This variant is not present in population databases (gnomAD no frequency). This variant has not been reported in the literature in individuals affected with NFKB2-related conditions. An algorithm developed to predict the effect of missense changes on protein structure and function outputs the following: PolyPhen-2: "Benign". The glycine amino acid residue is found in multiple mammalian species, which suggests that this missense change does not adversely affect protein function. Algorithms developed to predict the effect of sequence changes on RNA splicing suggest that this variant may disrupt the consensus splice site. In summary, the available evidence is currently insufficient to determine the role of this variant in disease. Therefore, it has been classified as a Variant of Uncertain Significance.